The following is an entry in ClinVar:

ClinVar aggregate classification (germline): Likely benign (1 of 4 stars; one submission).

Allele frequency attached by ClinVar (database versions not stated): 1000 Genomes Project 30x 0.00016; 1000 Genomes Project 0.00020; TOPMed 0.00167; ESP Exome Variant Server 0.00173; gnomAD 0.00200; gnomAD exomes 0.00218; ExAC 0.00251.
gnomAD v4.1: 3,469 of 1,611,128 alleles (0.22%); highest among the groups gnomAD compares: Non-Finnish European, 0.24%; 9 homozygotes.

Submission:

CeGaT Center for Human Genetics Tuebingen
Classification: Likely benign. Last evaluated: 2022-03-01. Review status: criteria provided, single submitter. Criteria: CeGaT Center For Human Genetics Tuebingen Variant Classification Criteria Version 2. Collection method: clinical testing. Allele origin: germline. Affected: yes. Observed: 1 variant allele.
Comment: PLCD4: BP4, BP7

NM_032726.4(PLCD4):c.1323A>G (p.Glu441=)

Gene: PLCD4 (phospholipase C delta 4; plus strand). Cytogenetic location: 2q35.
Variant type: single nucleotide variant.
Coding change: c.1323A>G on transcript NM_032726.4 (MANE Select); coding-DNA position 1323, A replaced by G.
Protein change: p.Glu441=; no amino-acid change (glutamic acid 441 retained).
Molecular consequence: synonymous variant.
Genome position (GRCh38, 1-based): chr2:218,632,186, A>G. VCF-style: chr2-218632186-A-G. GRCh37 (hg19) VCF-style: chr2-219496909-A-G.
Identifiers: ClinVar variation 2651883 (VCV002651883.24), dbSNP rs61752210, ClinGen allele CA2108160.
Genomic context (GRCh38, chr2:218,632,186, plus strand): 5'-TGTCCCCTAGGAGCTTCGGAGGAAGATCCTGGTGAAGGGGAAGAAGTTAACACTTGAGGA[A>G]GACCTGGAATATGAGGAAGAGGAAGCAGAACCTGAGTTGGAAGAGTCAGAATTGGCGCTG-3'
Protein context (NP_116115.1, residues 431-451): LVKGKKLTLE[Glu441=]DLEYEEEEAE